The following is an entry in ClinVar:

ClinVar aggregate classification (germline): Uncertain significance (1 of 4 stars; one submission).

Conditions:
Inborn genetic diseases. Identifiers: MedGen C0950123, MeSH D030342.

Submission:

Ambry Genetics
Classification: Uncertain significance for Inborn genetic diseases. Last evaluated: 2025-08-22. Review status: criteria provided, single submitter. Criteria: Ambry Variant Classification Scheme 2023. Collection method: clinical testing. Allele origin: germline.
Comment: The p.D1223V variant (also known as c.3668A>T), located in coding exon 37 of the FANCA gene, results from an A to T substitution at nucleotide position 3668. The aspartic acid at codon 1223 is replaced by valine, an amino acid with highly dissimilar properties. This amino acid position is conserved. In addition, this alteration is predicted to be tolerated by in silico analysis. Based on the available evidence, the clinical significance of this variant remains unclear.

NM_000135.4(FANCA):c.3668A>T (p.Asp1223Val)

Gene: FANCA (FA complementation group A; minus strand). Cytogenetic location: 16q24.3.
Variant type: single nucleotide variant.
Coding change: c.3668A>T on transcript NM_000135.4 (MANE Select); coding-DNA position 3668, A replaced by T.
Protein change: p.Asp1223Val; replaces aspartic acid 1223 with valine.
Molecular consequence: missense variant.
Genome position (GRCh38, 1-based): chr16:89,742,897, T>A on the plus strand (A>T on the coding strand, the complement: FANCA is on the minus strand). VCF-style: chr16-89742897-T-A. GRCh37 (hg19) VCF-style: chr16-89809305-T-A.
Other names: c.3668A>T, p.Asp1223Val (NM_001286167.3); short protein forms D1223V.
Identifiers: ClinVar variation 4254305 (VCV004254305.1).